The following is an entry in ClinVar:

NM_001376.5(DYNC1H1):c.9335A>G (p.Lys3112Arg)

Genes: DYNC1H1 (dynein cytoplasmic 1 heavy chain 1; plus strand), LOC126862060 (BRD4-independent group 4 enhancer GRCh37_chr14:102493659-102494858; plus strand). Cytogenetic location: 14q32.31.
Variant type: single nucleotide variant.
Coding change: c.9335A>G on transcript NM_001376.5 (MANE Select); coding-DNA position 9335, A replaced by G.
Protein change: p.Lys3112Arg; replaces lysine 3112 with arginine.
Molecular consequence: missense variant.
Genome position (GRCh38, 1-based): chr14:102,028,008, A>G. VCF-style: chr14-102028008-A-G. GRCh37 (hg19) VCF-style: chr14-102494345-A-G.
Other names: short protein forms K3112R.
Identifiers: ClinVar variation 846868 (VCV000846868.11), dbSNP rs374952401, ClinGen allele CA7353209.

ClinVar aggregate classification (germline): Uncertain significance. Review status: criteria provided, multiple submitters, no conflicts (2 of 4 stars). 2 submissions from 2 submitters: Uncertain significance (2). Last evaluated 2024-04-22.

Conditions:
Charcot-Marie-Tooth disease axonal type 2O. Also called: CHARCOT-MARIE-TOOTH NEUROPATHY, AXONAL, TYPE 2O; CHARCOT-MARIE-TOOTH DISEASE, AXONAL, AUTOSOMAL DOMINANT, TYPE 2O; Charcot-Marie-Tooth Neuropathy Type 2O; Charcot-Marie-Tooth disease, axonal, type 20. Identifiers: Orphanet 284232, MedGen C3280220, MONDO:0013644, OMIM 614228.

Allele frequency attached by ClinVar (database versions not stated): gnomAD exomes below 0.00001; ExAC 0.00001; ESP Exome Variant Server 0.00008.
gnomAD v4.1: 1 of 1,614,202 alleles (0.000062%); highest among the groups gnomAD compares: Non-Finnish European, 0.000085%; no homozygotes.

Submissions (2):

Labcorp Genetics (formerly Invitae), Labcorp
Classification: Uncertain significance for Charcot-Marie-Tooth disease axonal type 2O. Last evaluated: 2024-04-22. Review status: criteria provided, single submitter. Criteria: Invitae Variant Classification Sherloc (09022015). Collection method: clinical testing. Allele origin: germline.
Comment: This sequence change replaces lysine, which is basic and polar, with arginine, which is basic and polar, at codon 3112 of the DYNC1H1 protein (p.Lys3112Arg). This variant is present in population databases (rs374952401, gnomAD 0.0009%). This variant has not been reported in the literature in individuals affected with DYNC1H1-related conditions. ClinVar contains an entry for this variant (Variation ID: 846868). Advanced modeling of protein sequence and biophysical properties (such as structural, functional, and spatial information, amino acid conservation, physicochemical variation, residue mobility, and thermodynamic stability) performed at Invitae indicates that this missense variant is not expected to disrupt DYNC1H1 protein function with a negative predictive value of 95%. In summary, the available evidence is currently insufficient to determine the role of this variant in disease. Therefore, it has been classified as a Variant of Uncertain Significance.

GeneDx
Classification: Uncertain significance. Last evaluated: 2023-04-30. Review status: criteria provided, single submitter. Criteria: GeneDx Variant Classification Process June 2021. Collection method: clinical testing. Allele origin: germline. Affected: yes.
Comment: Not observed at significant frequency in large population cohorts (gnomAD); In silico analysis supports that this missense variant does not alter protein structure/function; Has not been previously published as pathogenic or benign to our knowledge; This variant is associated with the following publications: (PMID: 26100331, 25609763, 25512093)